The following is an entry in ClinVar:

NM_000052.7(ATP7A):c.2977A>G (p.Ile993Val)

Gene: ATP7A (ATPase copper transporting alpha; plus strand). Cytogenetic location: Xq21.1.
Variant type: single nucleotide variant.
Coding change: c.2977A>G on transcript NM_000052.7 (MANE Select); coding-DNA position 2977, A replaced by G.
Protein change: p.Ile993Val; replaces isoleucine 993 with valine.
Molecular consequence: missense variant.
Genome position (GRCh38, 1-based): chrX:78,029,310, A>G. VCF-style: chrX-78029310-A-G. GRCh37 (hg19) VCF-style: chrX-77284807-A-G.
Other names: c.2743A>G, p.Ile915Val (NM_001282224.2); c.2977A>G (NM_000052.4); short protein forms I993V, I915V.
Identifiers: ClinVar variation 664724 (VCV000664724.11), dbSNP rs1353488746, ClinGen allele CA413603129.

ClinVar aggregate classification (germline): Uncertain significance. Review status: criteria provided, multiple submitters, no conflicts (2 of 4 stars). 3 submissions from 3 submitters: Uncertain significance (2). 1 of the submissions does not count toward it. Last evaluated 2025-11-19.

Conditions:
Inborn genetic diseases. Identifiers: MedGen C0950123, MeSH D030342.
Cutis laxa, X-linked (OHS). Also called: EDS IX; Occipital horn syndrome. Identifiers: Orphanet 198, MedGen C0268353, MONDO:0010572, OMIM 304150.
X-linked distal spinal muscular atrophy type 3. Also called: ATP7A-Related Distal Motor Neuropathy; NEURONOPATHY, DISTAL HEREDITARY MOTOR, X-LINKED; NEUROPATHY, DISTAL HEREDITARY MOTOR, X-LINKED; SPINAL MUSCULAR ATROPHY, DISTAL, X-LINKED RECESSIVE. Identifiers: Orphanet 139557, MedGen C1845359, MONDO:0010338, OMIM 300489.
Menkes kinky-hair syndrome (MNK). Also called: Classic Menkes Disease; Menkes Disease; Copper transport disease. Identifiers: Orphanet 565, MedGen C0022716, MONDO:0010651, OMIM 309400.

Allele frequency attached by ClinVar (database versions not stated): gnomAD exomes below 0.00001; TOPMed 0.00001.
gnomAD v4.1: 1 of 1,211,232 alleles (0.000083%); highest among the groups gnomAD compares: Non-Finnish European, 0.00011%; no homozygotes.

Submissions (3):

Labcorp Genetics (formerly Invitae), Labcorp
Classification: Uncertain significance for X-linked distal spinal muscular atrophy type 3; Cutis laxa, X-linked; Menkes kinky-hair syndrome. Last evaluated: 2025-11-19. Review status: criteria provided, single submitter. Criteria: Invitae Variant Classification Sherloc (09022015). Collection method: clinical testing. Allele origin: germline.
Comment: This sequence change replaces isoleucine, which is neutral and non-polar, with valine, which is neutral and non-polar, at codon 993 of the ATP7A protein (p.Ile993Val). This variant is not present in population databases (gnomAD no frequency). This variant has not been reported in the literature in individuals affected with ATP7A-related conditions. ClinVar contains an entry for this variant (Variation ID: 664724). Invitae Evidence Modeling of protein sequence and biophysical properties (such as structural, functional, and spatial information, amino acid conservation, physicochemical variation, residue mobility, and thermodynamic stability) indicates that this missense variant is not expected to disrupt ATP7A protein function with a negative predictive value of 95%. In summary, the available evidence is currently insufficient to determine the role of this variant in disease. Therefore, it has been classified as a Variant of Uncertain Significance.

Ambry Genetics
Classification: Uncertain significance for Inborn genetic diseases. Last evaluated: 2021-05-10. Review status: criteria provided, single submitter. Criteria: Ambry Variant Classification Scheme 2023. Collection method: clinical testing. Allele origin: germline.
Comment: The p.I993V variant (also known as c.2977A>G), located in coding exon 14 of the ATP7A gene, results from an A to G substitution at nucleotide position 2977. The isoleucine at codon 993 is replaced by valine, an amino acid with highly similar properties. This amino acid position is highly conserved in available vertebrate species. In addition, the in silico prediction for this alteration is inconclusive. Since supporting evidence is limited at this time, the clinical significance of this alteration remains unclear.

Natera, Inc.
Classification: Uncertain significance for Menkes kinky hair syndrome. Last evaluated: 2020-12-28. Review status: no assertion criteria provided. Collection method: clinical testing. Allele origin: germline. Not counted in ClinVar's aggregate classification.